The following is an entry in ClinVar:

NM_006035.4(CDC42BPB):c.1299C>G (p.Asp433Glu)

Gene: CDC42BPB (CDC42 binding protein kinase beta; minus strand). Cytogenetic location: 14q32.32.
Variant type: single nucleotide variant.
Coding change: c.1299C>G on transcript NM_006035.4 (MANE Select); coding-DNA position 1299, C replaced by G.
Protein change: p.Asp433Glu; replaces aspartic acid 433 with glutamic acid.
Molecular consequence: missense variant.
Genome position (GRCh38, 1-based): chr14:102,975,971, G>C on the plus strand (C>G on the coding strand, the complement: CDC42BPB is on the minus strand). VCF-style: chr14-102975971-G-C. GRCh37 (hg19) VCF-style: chr14-103442308-G-C.
Other names: c.1299C>G, p.Asp433Glu (NM_001411054.1); short protein forms D433E.
Identifiers: ClinVar variation 4992672 (VCV004992672.1).

ClinVar aggregate classification (germline): Uncertain significance (1 of 4 stars; one submission).

Conditions:
CDC42BPB-related disorder.

Submission:

PreventionGenetics, part of Exact Sciences
Classification: Uncertain significance for CDC42BPB-related condition. Last evaluated: 2026-09-17. Review status: criteria provided, single submitter. Criteria: ACMG Guidelines, 2015. Collection method: clinical testing. Allele origin: germline.
Comment: The CDC42BPB c.1299C>G variant is predicted to result in the amino acid substitution p.Asp433Glu. To our knowledge, this variant has not been reported in the literature or in a large population database (gnomAD), indicating this variant is rare. At this time, the clinical significance of this variant is uncertain due to the absence of conclusive functional and genetic evidence.